The following is an entry in ClinVar:

ClinVar aggregate classification (germline): Uncertain significance (1 of 4 stars; one submission).

Submission:

GeneDx
Classification: Uncertain significance. Last evaluated: 2024-03-27. Review status: criteria provided, single submitter. Criteria: GeneDx Variant Classification Process June 2021. Collection method: clinical testing. Allele origin: germline. Affected: yes.
Comment: Observed in large population cohorts (gnomAD; internal data); In silico analysis supports that this variant does not alter splicing; Has not been previously published as pathogenic or benign to our knowledge

NM_001145809.2(MYH14):c.1203C>T (p.Asp401=)

Gene: MYH14 (myosin heavy chain 14; plus strand). Cytogenetic location: 19q13.33.
Variant type: single nucleotide variant.
Coding change: c.1203C>T on transcript NM_001145809.2 (MANE Select); coding-DNA position 1203, C replaced by T.
Protein change: p.Asp401=; no amino-acid change (aspartic acid 401 retained).
Molecular consequence: synonymous variant.
Genome position (GRCh38, 1-based): chr19:50,244,330, C>T. VCF-style: chr19-50244330-C-T. GRCh37 (hg19) VCF-style: chr19-50747587-C-T.
Other names: c.1203C>T, p.Asp401= (NM_001077186.2); c.1179C>T, p.Asp393= (NM_024729.4).
Identifiers: ClinVar variation 3371275 (VCV003371275.1).
Genomic context (GRCh38, chr19:50,244,330, plus strand): 5'-CCAGTTTGGCAACATTGCCTTGAAGAGAGAACGGAACACCGATCAAGCCACCATGCCTGA[C>T]AACACAGGTACTGCCCCCGGCCTGCCTGCCCACGACCTCCAGCCCCCGCCCAGGTGGTGC-3'
Protein context (NP_001139281.1, residues 391-411): ERNTDQATMP[Asp401=]NTAAQKLCRL